The following is an entry in ClinVar:

NM_000051.4(ATM):c.7373A>T (p.Asp2458Val)

Genes: C11orf65 (chromosome 11 open reading frame 65; minus strand), ATM (ATM serine/threonine kinase; plus strand). Cytogenetic location: 11q22.3.
Variant type: single nucleotide variant.
Coding change: c.7373A>T on transcript NM_000051.4 (MANE Select); coding-DNA position 7373, A replaced by T.
Protein change: p.Asp2458Val; replaces aspartic acid 2458 with valine.
Molecular consequence: missense variant. On other transcripts: intron variant (2).
Genome position (GRCh38, 1-based): chr11:108,330,279, A>T. VCF-style: chr11-108330279-A-T. GRCh37 (hg19) VCF-style: chr11-108201006-A-T.
Other names: c.7373A>T, p.Asp2458Val (NM_001351834.2); c.641-21208T>A (NM_001330368.2); c.*38+4941T>A (NM_001351110.2); short protein forms D2458V.
Identifiers: ClinVar variation 246303 (VCV000246303.20), dbSNP rs879254201, ClinGen allele CA10584366.
Genomic context (GRCh38, chr11:108,330,279, plus strand): 5'-CAGTAAAGGTTCAGCGAGAGCTGGAGTTGGATGAATTAGCCCTGCGTGCACTGAAAGAGG[A>T]TCGTAAACGCTTCTTATGTAAAGCAGTTGAAAATTATATCAACTGCTTATTAAGTGGAGA-3'
Protein context (NP_000042.3, residues 2448-2468): DELALRALKE[Asp2458Val]RKRFLCKAVE

ClinVar aggregate classification (germline): Uncertain significance. Review status: criteria provided, multiple submitters, no conflicts (2 of 4 stars). 6 submissions from 6 submitters: Uncertain significance (6). Last evaluated 2026-07-20.

Conditions:
Hereditary cancer-predisposing syndrome. Also called: Neoplastic Syndromes, Hereditary; Hereditary neoplastic syndrome; Tumor predisposition; Hereditary Cancer Syndrome. Identifiers: Orphanet 140162, MedGen C0027672, MeSH D009386, MONDO:0015356.
Familial cancer of breast. Also called: hereditary breast carcinoma; Hereditary breast cancer; BREAST CANCER, FAMILIAL. Identifiers: Orphanet 227535, MedGen C0346153, MONDO:0016419, OMIM 114480. Disease mechanism: loss of function.
Ataxia-telangiectasia syndrome (AT). Also called: Ataxia telangiectasia (A-T); Cerebello-oculocutaneous telangiectasia; Immunodeficiency with ataxia telangiectasia; LOUIS-BAR SYNDROME; AT, COMPLEMENTATION GROUP C; ATAXIA-TELANGIECTASIA, FRESNO VARIANT. Identifiers: Orphanet 100, MedGen C0004135, MONDO:0008840, OMIM 208900.

Submissions (6):

Institut für angewandte Humangenetik und Onkogenetik Professor Froster
Classification: Uncertain significance for Familial cancer of breast. Last evaluated: 2026-07-20. Review status: criteria provided, single submitter. Criteria: ACMG Guidelines, 2015. Collection method: clinical testing. Allele origin: germline. Affected: yes. Observed: 1 variant allele.
Comment: This missense variant results in a substitution of aspartic acid with valine at codon 2458 of the ATM protein. Computational prediction suggests a disrupting effect (REVEL: 0.92, PolyPhen-2: 0.99, BayesDel_noAF: 0.39) of this variant on protein function. Additionally, it is predicted that this variant has an impact on RNA splicing (SpliceAI: 0.87). The variant is absent from population databases (gnomAD). The variant has not been reported in the literature within patients impacted with ATM-associated disorders. Segregation analysis could not be performed. The currently available evidence does not suffice to conclusively determine the role of this variant in disease, therefore, it is classified as a Variant of Uncertain Significance (PM2_SUP, PP3_SUP)

Color Diagnostics, LLC DBA Color Health
Classification: Uncertain significance for Hereditary cancer-predisposing syndrome. Last evaluated: 2025-12-26. Review status: criteria provided, single submitter. Criteria: ACMG Guidelines, 2015. Collection method: clinical testing. Allele origin: germline.
Comment: This missense variant replaces aspartic acid with valine at codon 2458 of the ATM protein. Computational prediction suggests that this variant may have deleterious impact on protein structure and function. Splice site prediction tools suggest that this variant may not impact RNA splicing. To our knowledge, functional studies have not been performed for this variant. This variant has not been reported in individuals affected with hereditary cancer in the literature. This variant has not been identified in the general population by the Genome Aggregation Database (gnomAD). The available evidence is insufficient to determine the role of this variant in disease conclusively. Therefore, this variant is classified as a Variant of Uncertain Significance.

Ambry Genetics
Classification: Uncertain significance for Hereditary cancer-predisposing syndrome. Last evaluated: 2025-03-28. Review status: criteria provided, single submitter. Criteria: Ambry Variant Classification Scheme 2023. Collection method: clinical testing. Allele origin: germline.
Comment: The p.D2458V variant (also known as c.7373A>T), located in coding exon 49 of the ATM gene, results from an A to T substitution at nucleotide position 7373. The aspartic acid at codon 2458 is replaced by valine, an amino acid with highly dissimilar properties. This amino acid position is highly conserved in available vertebrate species. In addition, this alteration is predicted to be deleterious by in silico analysis. Since supporting evidence is limited at this time, the clinical significance of this alteration remains unclear.

Labcorp Genetics (formerly Invitae), Labcorp
Classification: Uncertain significance for Ataxia-telangiectasia syndrome. Last evaluated: 2024-03-19. Review status: criteria provided, single submitter. Criteria: Invitae Variant Classification Sherloc (09022015). Collection method: clinical testing. Allele origin: germline.
Comment: This sequence change replaces aspartic acid, which is acidic and polar, with valine, which is neutral and non-polar, at codon 2458 of the ATM protein (p.Asp2458Val). This variant is not present in population databases (gnomAD no frequency). This variant has not been reported in the literature in individuals affected with ATM-related conditions. ClinVar contains an entry for this variant (Variation ID: 246303). An algorithm developed to predict the effect of missense changes on protein structure and function (PolyPhen-2) suggests that this variant is likely to be disruptive. Algorithms developed to predict the effect of sequence changes on RNA splicing suggest that this variant may disrupt the consensus splice site. In summary, the available evidence is currently insufficient to determine the role of this variant in disease. Therefore, it has been classified as a Variant of Uncertain Significance.

Baylor Genetics
Classification: Uncertain significance for Familial cancer of breast. Last evaluated: 2022-12-05. Review status: criteria provided, single submitter. Criteria: ACMG Guidelines, 2015. Collection method: clinical testing. Allele origin: unknown.

GeneDx
Classification: Uncertain significance. Last evaluated: 2015-12-30. Review status: criteria provided, single submitter. Criteria: GeneDx Variant Classification (06012015). Collection method: clinical testing. Allele origin: germline. Affected: yes.
Comment: This variant is denoted ATM c.7373A>T at the cDNA level, p.Asp2458Val (D2458V) at the protein level, and results in the change of an Aspartic Acid to a Valine (GAT>GTT). This variant has not, to our knowledge, been published in the literature as pathogenic or benign. ATM Asp2458Val was not observed in approximately 6,500 individuals of European and African American ancestry in the NHLBI Exome Sequencing Project, suggesting it is not a common benign variant in these populations. Since Aspartic Acid and Valine differ in polarity, charge, size or other properties, this is considered a non-conservative amino acid substitution. ATM Asp2458Val occurs at a position that is conserved across species and is located in the FAT domain (Tavtigian 2009, Stracker 2013). In silico analyses predict that this variant is probably damaging to protein structure and function. Based on currently available evidence, it is unclear whether ATM Asp2458Val is a pathogenic or benign variant. We consider it to be a variant of uncertain significance.